The following is an entry in ClinVar:

NM_001005373.4(LRSAM1):c.751-233A>G

Gene: LRSAM1 (leucine rich repeat and sterile alpha motif containing 1; plus strand). Cytogenetic location: 9q33.3.
Variant type: single nucleotide variant.
Coding change: c.751-233A>G on transcript NM_001005373.4 (MANE Select); 233 bases into the intron before coding-DNA position 751, A replaced by G.
Molecular consequence: intron variant.
Genome position (GRCh38, 1-based): chr9:127,478,701, A>G. VCF-style: chr9-127478701-A-G. GRCh37 (hg19) VCF-style: chr9-130240980-A-G.
Other names: c.751-233A>G (NM_138361.5, NM_001384142.1, NM_001384143.1 and 2 more transcripts); c.-34-238A>G (NM_001384144.1).
Identifiers: ClinVar variation 683118 (VCV000683118.1), dbSNP rs2249649, ClinGen allele CA13075812.

ClinVar aggregate classification (germline): Benign (1 of 4 stars; one submission).

Allele frequency attached by ClinVar (database versions not stated): 1000 Genomes Project 30x 0.72533; 1000 Genomes Project 0.72764; TOPMed 0.74287; gnomAD 0.75243 and 0.75334.
gnomAD v4.1: 114,471 of 152,074 alleles (75%); highest among the groups gnomAD compares: Non-Finnish European, 79%; 43,410 homozygotes.

Submission:

GeneDx
Classification: Benign. Last evaluated: 2018-06-14. Review status: criteria provided, single submitter. Criteria: GeneDx Variant Classification (06012015). Collection method: clinical testing. Allele origin: germline. Affected: yes.
Comment: This variant is considered likely benign or benign based on one or more of the following criteria: it is a conservative change, it occurs at a poorly conserved position in the protein, it is predicted to be benign by multiple in silico algorithms, and/or has population frequency not consistent with disease.